The following is an entry in ClinVar:

ClinVar aggregate classification (germline): Uncertain significance (1 of 4 stars; one submission).

Submission:

Ambry Genetics
Classification: Uncertain significance. Last evaluated: 2026-01-11. Review status: criteria provided, single submitter. Criteria: Ambry Variant Classification Scheme 2023. Collection method: clinical testing. Allele origin: germline.
Comment: The p.Q379K variant (also known as c.1135C>A), located in coding exon 1 of the MLH3 gene, results from a C to A substitution at nucleotide position 1135. The glutamine at codon 379 is replaced by lysine, an amino acid with similar properties. This amino acid position is conserved. In addition, the in silico prediction for this alteration is inconclusive. Based on the available evidence, the clinical significance of this variant remains unclear.

NM_001040108.2(MLH3):c.1135C>A (p.Gln379Lys)

Gene: MLH3 (mutL homolog 3; minus strand). Cytogenetic location: 14q24.3.
Variant type: single nucleotide variant.
Coding change: c.1135C>A on transcript NM_001040108.2 (MANE Select); coding-DNA position 1135, C replaced by A.
Protein change: p.Gln379Lys; replaces glutamine 379 with lysine.
Molecular consequence: missense variant.
Genome position (GRCh38, 1-based): chr14:75,048,521, G>T on the plus strand (C>A on the coding strand, the complement: MLH3 is on the minus strand). VCF-style: chr14-75048521-G-T. GRCh37 (hg19) VCF-style: chr14-75515224-G-T.
Other names: c.1135C>A, p.Gln379Lys (NM_014381.3); short protein forms Q379K.
Identifiers: ClinVar variation 4844297 (VCV004844297.1).